The following is an entry in ClinVar:

NM_000154.2(GALK1):c.781del (p.Glu261fs)

Gene: GALK1 (galactokinase 1; minus strand). Cytogenetic location: 17q25.1.
Variant type: Deletion.
Coding change: c.781del on transcript NM_000154.2 (MANE Select); coding-DNA position 781, one base deleted (G; older notation c.781delG).
Protein change: p.Glu261fs; shifts the reading frame from glutamic acid 261.
Molecular consequence: frameshift variant.
Genome position (GRCh38, 1-based): chr17:75,762,716, C deleted on the plus strand (G on the coding strand, the reverse complement: GALK1 is on the minus strand); the first of 2 consecutive C bases (chr17:75,762,716-75,762,717); deleting either gives the same sequence. VCF-style (leftmost placement, unchanged base first): chr17-75762715-TC-T. GRCh37 (hg19) VCF-style: chr17-73758796-TC-T.
Other names: c.781del, p.Glu261fs (NM_001381985.1); short protein forms E261fs.
Identifiers: ClinVar variation 2817088 (VCV002817088.3), dbSNP rs2545903065, ClinGen allele CA2739268405.
Genomic context (GRCh38, chr17:75,762,715, plus strand): 5'-AGCAGGGAGCACAGCCGCCTCCAGGATAGAGCACCCTGGCAGTTCTCACCCTCTAGCTCT[TC>T]CAGTTGTACCTCCCGGAGGCTTTCCTTGCCCAGCGCCCGGGCCACTTCTTCACATTGGCG-3'

ClinVar aggregate classification (germline): Pathogenic (1 of 4 stars; one submission).

Conditions:
Deficiency of galactokinase. Also called: GALACTOSEMIA II; Galactokinase deficiency with cataracts. Identifiers: Orphanet 352, Orphanet 79237, MedGen C0268155, MONDO:0009255, OMIM 230200.

Submission:

Labcorp Genetics (formerly Invitae), Labcorp
Classification: Pathogenic for Deficiency of galactokinase. Last evaluated: 2023-03-14. Review status: criteria provided, single submitter. Criteria: Invitae Variant Classification Sherloc (09022015). Collection method: clinical testing. Allele origin: germline.
Comment: This variant has not been reported in the literature in individuals affected with GALK1-related conditions. This sequence change creates a premature translational stop signal (p.Glu261Lysfs*3) in the GALK1 gene. It is expected to result in an absent or disrupted protein product. Loss-of-function variants in GALK1 are known to be pathogenic (PMID: 7670469, 10790206). This variant is not present in population databases (gnomAD no frequency). Algorithms developed to predict the effect of sequence changes on RNA splicing suggest that this variant may create or strengthen a splice site. For these reasons, this variant has been classified as Pathogenic.

Literature cited by the submitters: PubMed 7670469; PubMed 10790206.